The following is an entry in ClinVar:

ClinVar aggregate classification (germline): Uncertain significance (1 of 4 stars; one submission).

Submission:

Labcorp Genetics (formerly Invitae), Labcorp
Classification: Uncertain significance. Last evaluated: 2023-05-09. Review status: criteria provided, single submitter. Criteria: Invitae Variant Classification Sherloc (09022015). Collection method: clinical testing. Allele origin: germline.
Comment: This variant is not present in population databases (gnomAD no frequency). This sequence change replaces glycine, which is neutral and non-polar, with glutamic acid, which is acidic and polar, at codon 1032 of the CTR9 protein (p.Gly1032Glu). This variant also falls at the last nucleotide of exon 24, which is part of the consensus splice site for this exon. This variant has not been reported in the literature in individuals affected with CTR9-related conditions. An algorithm developed to predict the effect of missense changes on protein structure and function (PolyPhen-2) suggests that this variant is likely to be disruptive. Variants that disrupt the consensus splice site are a relatively common cause of aberrant splicing (PMID: 17576681, 9536098). In summary, the available evidence is currently insufficient to determine the role of this variant in disease. Therefore, it has been classified as a Variant of Uncertain Significance.

Literature cited by the submitters: PubMed 17576681; PubMed 9536098.

NM_014633.5(CTR9):c.3095G>A (p.Gly1032Glu)

Gene: CTR9 (CTR9 component of Paf1/RNA polymerase II complex; plus strand). Cytogenetic location: 11p15.4.
Variant type: single nucleotide variant.
Coding change: c.3095G>A on transcript NM_014633.5 (MANE Select); coding-DNA position 3095, G replaced by A.
Protein change: p.Gly1032Glu; replaces glycine 1032 with glutamic acid.
Molecular consequence: missense variant.
Genome position (GRCh38, 1-based): chr11:10,775,633, G>A. VCF-style: chr11-10775633-G-A. GRCh37 (hg19) VCF-style: chr11-10797180-G-A.
Other names: c.3023G>A, p.Gly1008Glu (NM_001346279.2); short protein forms G1008E, G1032E.
Identifiers: ClinVar variation 2862756 (VCV002862756.3), dbSNP rs2539394214, ClinGen allele CA379678539.